The following is an entry in ClinVar:

NM_001135651.3(EIF2AK2):c.95A>G (p.Asn32Ser)

Gene: EIF2AK2 (eukaryotic translation initiation factor 2 alpha kinase 2; minus strand). Cytogenetic location: 2p22.2.
Variant type: single nucleotide variant.
Coding change: c.95A>G on transcript NM_001135651.3 (MANE Select); coding-DNA position 95, A replaced by G.
Protein change: p.Asn32Ser; replaces asparagine 32 with serine.
Molecular consequence: missense variant.
Genome position (GRCh38, 1-based): chr2:37,147,712, T>C on the plus strand (A>G on the coding strand, the complement: EIF2AK2 is on the minus strand). VCF-style: chr2-37147712-T-C. GRCh37 (hg19) VCF-style: chr2-37374855-T-C.
Other names: c.95A>G, p.Asn32Ser (NM_001135652.3, NM_002759.4); short protein forms N32S.
Identifiers: ClinVar variation 872963 (VCV000872963.3), dbSNP rs1675604381, ClinGen allele CA346323179.

ClinVar aggregate classification (germline): Uncertain significance. Review status: criteria provided, single submitter (1 of 4 stars). 2 submissions from 2 submitters: Uncertain significance (1). 1 of the submissions does not count toward it. Last evaluated 2020-12-18.

Conditions:
Leukoencephalopathy, developmental delay, and episodic neurologic regression syndrome. Also called: LEUDEN SYNDROME. Identifiers: MedGen C5394367, MONDO:0030035, OMIM 618877.

Submissions (2):

SIB Swiss Institute of Bioinformatics
Classification: Uncertain significance for Leukoencephalopathy, developmental delay, and episodic neurologic regression syndrome. Last evaluated: 2020-12-18. Review status: criteria provided, single submitter. Criteria: ACMG Guidelines, 2015. Collection method: curation. Allele origin: unknown.
Comment: This variant is interpreted as a variant of uncertain significance for Leukoencephalopathy, developmental delay, and episodic neurologic regression syndrome, autosomal dominant The following ACMG Tag(s) were applied: Absent from controls (or at extremely low frequency if recessive) in Exome Sequencing Project, 1000 Genomes Project, or Exome Aggregation Consortium (PM2); de novo variant (PS2 downgraded to moderate); Multiple lines of computational evidence suggest no impact on gene or gene product (BP4).

OMIM
Classification: Pathogenic for LEUKOENCEPHALOPATHY, DEVELOPMENTAL DELAY, AND EPISODIC NEUROLOGIC REGRESSION SYNDROME. Last evaluated: 2022-02-10. Review status: no assertion criteria provided. Collection method: literature only. Allele origin: germline. Not counted in ClinVar's aggregate classification.

Literature cited by the submitters: PubMed 32197074 (cited by SIB Swiss Institute of Bioinformatics); Mao, D., Reuter, C. M., Ruzhnikov, M. R. Z., Beck, A. E., Farrow, E. G., Emrick, L. T., Rosenfeld, J. A., Mackenzie, K. M., Robak, L., Wheeler, M. T., Burrage, L. C., Jain, M., and 20 others De novo EIF2AK1 and EIF2AK2 variants are associated with developmental delay, leukoencephalopathy, and neurologic decompensation. Am. J. Hum. Genet. 106: 570-583, 2020. (cited by OMIM).